The following is an entry in ClinVar:

NM_000252.3(MTM1):c.582C>T (p.Leu194=)

Gene: MTM1 (myotubularin 1; plus strand). Cytogenetic location: Xq28.
Variant type: single nucleotide variant.
Coding change: c.582C>T on transcript NM_000252.3 (MANE Select); coding-DNA position 582, C replaced by T.
Protein change: p.Leu194=; no amino-acid change (leucine 194 retained).
Molecular consequence: synonymous variant.
Genome position (GRCh38, 1-based): chrX:150,641,322, C>T. VCF-style: chrX-150641322-C-T. GRCh37 (hg19) VCF-style: chrX-149809795-C-T.
Other names: NM_000252.3(MTM1):c.582C>T; p.Leu194=; c.582C>T, p.Leu194= (NM_001376906.1, NM_001376908.1); c.471C>T, p.Leu157= (NM_001376907.1).
Identifiers: ClinVar variation 385140 (VCV000385140.18), dbSNP rs367912069, ClinGen allele CA10539132.
Genomic context (GRCh38, chrX:150,641,322, plus strand): 5'-CTCACAGGGCTTGCCCAATCACCATTGGAGAATAACTTTTATTAATAAGTGCTATGAGCT[C>T]TGTGACACTTACCCTGCTCTTTTGGTGGTTCCGTATCGTGCCTCAGATGATGACCTCCGG-3'
Protein context (NP_000243.1, residues 184-204): RITFINKCYE[Leu194=]CDTYPALLVV

ClinVar aggregate classification (germline): Benign. Review status: reviewed by expert panel (3 of 4 stars). 6 submissions from 6 submitters: Benign (1). 5 of the submissions do not count toward it. Last evaluated 2024-08-07.

Conditions:
Centronuclear myopathy (CNM). Also called: Myotubular myopathy; Centronuclear myopathy, congenital. Identifiers: Orphanet 595, MedGen C0175709, MONDO:0018947. Inheritance: All.
Severe X-linked myotubular myopathy (CNMX). Also called: X-linked centronuclear myopathy; Myotubular myopathy, X-linked; MYOTUBULAR MYOPATHY 1. Identifiers: Orphanet 596, MedGen C0410203, MONDO:0010683, OMIM 310400.
MTM1-related disorder. Also called: MTM1-related condition.

Allele frequency attached by ClinVar (database versions not stated): gnomAD exomes 0.00008 and 0.00032; ExAC 0.00026; TOPMed 0.00028; gnomAD 0.00029 and 0.00031; 1000 Genomes Project 0.00079; 1000 Genomes Project 30x 0.00083.
gnomAD v4.1: 180 of 1,209,235 alleles (0.015%); highest among the groups gnomAD compares: East Asian, 0.33%; 4 homozygotes.

Submissions (6):

ClinGen Congenital Myopathies Variant Curation Expert Panel, ClinGen
Classification: Benign for Centronuclear myopathy. Last evaluated: 2024-08-07. Review status: reviewed by expert panel. Criteria: ClinGen CongenMyopathy ACMG Specifications MTM1 V1.0.0. Collection method: curation. Allele origin: germline. Inheritance: X-linked inheritance.
Comment: The variant NM_000252.3(MTM1):c.582C>T is a synonymous (silent) variant (p.Leu194=). The filtering allele frequency in gnomAD v4.1.0 is 0.002821 (112/33731 alleles, 2 homozygote, 36 hemizygotes) for the East Asian population, which is higher than the ClinGen congenital myopathy MTM1 threshold (≥0.000016) for BA1, and therefore meets this criterion (BA1). In addition, SpliceAI predicted no impact on splicing, meeting BP4/BP7 criteria. In summary, the variant meets criteria to be classified as benign. ACMG/AMP criteria met, as specified by the congenital myopathies VCEP: BA1, BP4, BP7 (ClinGen Congenital Myopathies VCEP specifications version 1; 8/7/2024).

Labcorp Genetics (formerly Invitae), Labcorp
Classification: Benign for Severe X-linked myotubular myopathy. Last evaluated: 2026-01-26. Review status: criteria provided, single submitter. Criteria: Invitae Variant Classification Sherloc (09022015). Collection method: clinical testing. Allele origin: germline. Not counted in ClinVar's aggregate classification.

Blueprint Genetics
Classification: Likely benign. Last evaluated: 2024-10-14. Review status: criteria provided, single submitter. Criteria: ACMG Guidelines, 2015. Collection method: clinical testing. Allele origin: germline. Not counted in ClinVar's aggregate classification.

Athena Diagnostics
Classification: Benign. Last evaluated: 2024-01-11. Review status: criteria provided, single submitter. Criteria: Athena Diagnostics Criteria. Collection method: clinical testing. Allele origin: unknown. Not counted in ClinVar's aggregate classification.

GeneDx
Classification: Likely benign. Last evaluated: 2017-05-26. Review status: criteria provided, single submitter. Criteria: GeneDx Variant Classification (06012015). Collection method: clinical testing. Allele origin: germline. Affected: yes. Not counted in ClinVar's aggregate classification.
Comment: This variant is considered likely benign or benign based on one or more of the following criteria: it is a conservative change, it occurs at a poorly conserved position in the protein, it is predicted to be benign by multiple in silico algorithms, and/or has population frequency not consistent with disease.

PreventionGenetics, part of Exact Sciences
Classification: Benign for MTM1-related condition. Last evaluated: 2024-02-19. Review status: no assertion criteria provided. Collection method: clinical testing. Allele origin: germline. Not counted in ClinVar's aggregate classification.
Comment: This variant is classified as benign based on ACMG/AMP sequence variant interpretation guidelines (Richards et al. 2015 PMID: 25741868, with internal and published modifications).